The following is an entry in ClinVar:

ClinVar aggregate classification (germline): Conflicting classifications of pathogenicity. Review status: criteria provided, conflicting classifications (1 of 4 stars). 5 submissions from 5 submitters: Likely pathogenic (3); Uncertain significance (1). 1 of the submissions does not count toward it. Last evaluated 2025-10-27.

Conditions:
Megalencephalic leukoencephalopathy with subcortical cysts. Also called: VAN DER KNAAP DISEASE. Identifiers: Orphanet 2478, MedGen C1858854, MONDO:0011391.
Megalencephalic leukoencephalopathy with subcortical cysts 1 (MLC1). Also called: LEUKOENCEPHALOPATHY WITH SWELLING AND CYSTS; VACUOLATING MEGALENCEPHALIC LEUKOENCEPHALOPATHY WITH SUBCORTICAL CYSTS. Identifiers: Orphanet 2478, MedGen C5779875, MONDO:0024555, OMIM 604004.

Allele frequency attached by ClinVar (database versions not stated): gnomAD exomes below 0.00001; TOPMed 0.00001.
gnomAD v4.1: 4 of 1,614,074 alleles (0.00025%); highest among the groups gnomAD compares: South Asian, 0.0011%; no homozygotes.

Submissions (5):

Myriad Genetics, Inc.
Classification: Uncertain significance for Megalencephalic leukoencephalopathy with subcortical cysts 1. Last evaluated: 2025-10-27. Review status: criteria provided, single submitter. Criteria: Myriad Autosomal Dominant, Autosomal Recessive and X-Linked Classification Criteria (2023). Collection method: clinical testing. Allele origin: unknown.
Comment: NM_015166.3(MLC1):c.250C>T(R84C) is a missense variant classified as a variant of uncertain significance in the context of megalencephalic leukoencephalopathy with subcortical cysts. R84C has been observed in cases with relevant disease (PMID: 16652334, 31302377). Relevant functional assessments of this variant are not available in the literature. R84C has not been observed in referenced population frequency databases. In summary, there is insufficient evidence to classify NM_015166.3(MLC1):c.250C>T(R84C) as pathogenic or benign. Please note: this variant was assessed in the context of healthy population screening.

Natera, Inc.
Classification: Likely pathogenic for Megalencephalic leukoencephalopathy with subcortical cysts. Last evaluated: 2025-06-07. Review status: criteria provided, single submitter. Criteria: Natera Variant Classification Schema (03/2026). Collection method: clinical testing. Allele origin: germline.
Comment: The c.250C>T variant in MLC1 is a missense variant predicted to cause substitution of arginine to cysteine at amino acid 84. This variant is rare in the general population with a frequency below the threshold expected for the associated phenotype(s). This variant has been observed in one or more individuals affected with the associated recessive disease, as either homozygous or compound heterozygous with a second variant (PMID: 16652334, 31302377). A different variant at the same position has been determined to be Pathogenic or Likely Pathogenic. Computational prediction algorithms indicate this variant is likely to affect gene or protein function. Given the available evidence, this variant is classified as Likely Pathogenic.

Baylor Genetics
Classification: Likely pathogenic for Megalencephalic leukoencephalopathy with subcortical cysts 1. Last evaluated: 2023-11-09. Review status: criteria provided, single submitter. Criteria: ACMG Guidelines, 2015. Collection method: clinical testing. Allele origin: unknown.

Labcorp Genetics (formerly Invitae), Labcorp
Classification: Likely pathogenic. Last evaluated: 2023-11-04. Review status: criteria provided, single submitter. Criteria: Invitae Variant Classification Sherloc (09022015). Collection method: clinical testing. Allele origin: germline.
Comment: This sequence change replaces arginine, which is basic and polar, with cysteine, which is neutral and slightly polar, at codon 84 of the MLC1 protein (p.Arg84Cys). This variant is not present in population databases (gnomAD no frequency). This missense change has been observed in individuals with megalencephalic leukoencephalopathy with subcortical cysts (PMID: 16652334, 31302377). ClinVar contains an entry for this variant (Variation ID: 68791). Advanced modeling of protein sequence and biophysical properties (such as structural, functional, and spatial information, amino acid conservation, physicochemical variation, residue mobility, and thermodynamic stability) has been performed at Invitae for this missense variant, however the output from this modeling did not meet the statistical confidence thresholds required to predict the impact of this variant on MLC1 protein function. This variant disrupts the p.Arg84 amino acid residue in MLC1. Other variant(s) that disrupt this residue have been observed in individuals with MLC1-related conditions (PMID: 15832614, 25497041), which suggests that this may be a clinically significant amino acid residue. In summary, the currently available evidence indicates that the variant is pathogenic, but additional data are needed to prove that conclusively. Therefore, this variant has been classified as Likely Pathogenic.

UniProtKB/Swiss-Prot
No classification provided. Review status: no classification provided. Collection method: not provided. Allele origin: not provided. Not counted in ClinVar's aggregate classification.

Literature cited by the submitters: PubMed 16652334 (cited by 3 submitters); PubMed 31302377 (cited by 3 submitters); PubMed 15832614 (cited by Labcorp Genetics (formerly Invitae), Labcorp); PubMed 25497041 (cited by Labcorp Genetics (formerly Invitae), Labcorp).

NM_015166.4(MLC1):c.250C>T (p.Arg84Cys)

Genes: MLC1 (modulator of VRAC current 1; minus strand), LOC125446261 (Sharpr-MPRA regulatory region 9327; plus strand). Cytogenetic location: 22q13.33.
Variant type: single nucleotide variant.
Coding change: c.250C>T on transcript NM_015166.4 (MANE Select); coding-DNA position 250, C replaced by T.
Protein change: p.Arg84Cys; replaces arginine 84 with cysteine.
Molecular consequence: missense variant. On other transcripts: non-coding transcript variant (3), intron variant (1).
Genome position (GRCh38, 1-based): chr22:50,083,101, G>A on the plus strand (C>T on the coding strand, the complement: MLC1 is on the minus strand). VCF-style: chr22-50083101-G-A. GRCh37 (hg19) VCF-style: chr22-50521530-G-A.
Other names: c.250C>T, p.Arg84Cys (NM_001376472.1, NM_001376473.1, NM_001376474.1 and 9 more transcripts); c.13C>T, p.Arg5Cys (NM_001376484.1); c.177+1625C>T (NM_001376480.1); short protein forms R84C, R5C.
Identifiers: ClinVar variation 68791 (VCV000068791.13), dbSNP rs281875311, ClinGen allele CA219964.
Genomic context (GRCh38, chr22:50,083,101, plus strand): 5'-GGCGAGCTTGGGCACTGGCAGAGGCGTGGAGGAAGCTGCTTACAGAGCCTGCAGCACAGC[G>A]CAAGTAATCCATCTCAGCCGGGAACACGTTCCCCAGGTACAGCGAAAACCCCGAGGTCAC-3'
Protein context (NP_055981.1, residues 74-94): NVFPAEMDYL[Arg84Cys]CAAGSCIPSA